The following is an entry in ClinVar:

NM_139137.4(KCNC2):c.1573T>C (p.Cys525Arg)

Gene: KCNC2 (potassium voltage-gated channel subfamily C member 2; minus strand). Cytogenetic location: 12q21.1.
Variant type: single nucleotide variant.
Coding change: c.1573T>C on transcript NM_139137.4 (MANE Select); coding-DNA position 1573, T replaced by C.
Protein change: p.Cys525Arg; replaces cysteine 525 with arginine.
Molecular consequence: missense variant. On other transcripts: non-coding transcript variant (1).
Genome position (GRCh38, 1-based): chr12:75,050,432, A>G on the plus strand (T>C on the coding strand, the complement: KCNC2 is on the minus strand). VCF-style: chr12-75050432-A-G. GRCh37 (hg19) VCF-style: chr12-75444212-A-G.
Other names: c.1573T>C, p.Cys525Arg (NM_139136.4, NM_153748.3, NM_001260497.2 and 13 more transcripts); short protein forms C525R.
Identifiers: ClinVar variation 5005158 (VCV005005158.2).

ClinVar aggregate classification (germline): Uncertain significance (1 of 4 stars; one submission).

Conditions:
Developmental and epileptic encephalopathy 103 (DEE103). Identifiers: MedGen C5677002, MONDO:0030957, OMIM 619913.

gnomAD v4.1: 1 of 1,613,354 alleles (0.000062%); highest among the groups gnomAD compares: Non-Finnish European, 0.000085%; no homozygotes.

Submission:

Juno Genomics, Hangzhou Juno Genomics, Inc
Classification: Uncertain significance for Developmental and epileptic encephalopathy 103. Review status: criteria provided, single submitter. Criteria: ACMG Guidelines, 2015. Collection method: clinical testing. Allele origin: germline.
Comment: Absent from controls (or at extremely low frequency if recessive) in Genome Aggregation Database.;Multiple lines of computational evidence support a deleterious effect on the gene or gene product.